The following is an entry in ClinVar:

NM_000548.5(TSC2):c.2545+5G>A

Gene: TSC2 (TSC complex subunit 2; plus strand). Cytogenetic location: 16p13.3.
Variant type: single nucleotide variant.
Coding change: c.2545+5G>A on transcript NM_000548.5 (MANE Select); 5 bases into the intron after coding-DNA position 2545, G replaced by A.
Molecular consequence: intron variant.
Genome position (GRCh38, 1-based): chr16:2,074,394, G>A. VCF-style: chr16-2074394-G-A. GRCh37 (hg19) VCF-style: chr16-2124395-G-A.
Other names: c.1201+5G>A (NM_001406693.1, NM_001406689.1, NM_001406690.1 and 6 more transcripts); c.2635+5G>A (NM_001406667.1, NM_001406668.1); c.1945+5G>A (NM_001406680.1, NM_001406683.1, NM_001406687.1 and 6 more transcripts); c.943+5G>A (NM_001406698.1); c.2545+5G>A (NM_001114382.3, NM_001406663.1, NM_001406664.1 and 6 more transcripts); c.2533+5G>A (NM_001406671.1, NM_001406673.1); c.2083+5G>A (NM_001406681.1); c.2434+5G>A (NM_001406670.1, NM_001318827.2, NM_001406678.1); and 3 more.
Identifiers: ClinVar variation 3811356 (VCV003811356.1).

ClinVar aggregate classification (germline): Uncertain significance (1 of 4 stars; one submission).

Conditions:
Hereditary cancer-predisposing syndrome. Also called: Hereditary neoplastic syndrome; Neoplastic Syndromes, Hereditary; Tumor predisposition; Hereditary Cancer Syndrome. Identifiers: Orphanet 140162, MedGen C0027672, MeSH D009386, MONDO:0015356.

Submission:

Ambry Genetics
Classification: Uncertain significance for Hereditary cancer-predisposing syndrome. Last evaluated: 2025-03-01. Review status: criteria provided, single submitter. Criteria: Ambry Variant Classification Scheme 2023. Collection method: clinical testing. Allele origin: germline.
Comment: The c.2545+5G>A intronic variant results from a G to A substitution 5 nucleotides after coding exon 21 in the TSC2 gene. This nucleotide position is highly conserved in available vertebrate species. In silico splice site analysis predicts that this alteration will weaken the native splice donor site and will result in the creation or strengthening of a novel splice donor site. Based on the available evidence, the clinical significance of this variant remains unclear.